The following is an entry in ClinVar:

NM_001111.5(ADAR):c.1930C>T (p.Pro644Ser)

Gene: ADAR (adenosine deaminase RNA specific; minus strand). Cytogenetic location: 1q21.3.
Variant type: single nucleotide variant.
Coding change: c.1930C>T on transcript NM_001111.5 (MANE Select); coding-DNA position 1930, C replaced by T.
Protein change: p.Pro644Ser; replaces proline 644 with serine.
Molecular consequence: missense variant.
Genome position (GRCh38, 1-based): chr1:154,597,832, G>A on the plus strand (C>T on the coding strand, the complement: ADAR is on the minus strand). VCF-style: chr1-154597832-G-A. GRCh37 (hg19) VCF-style: chr1-154570308-G-A.
Other names: c.1045C>T, p.Pro349Ser (NM_001025107.3, NM_001193495.2, NM_001365046.1 and 3 more transcripts); c.1957C>T, p.Pro653Ser (NM_001365045.1); c.1930C>T, p.Pro644Ser (NM_015840.4, NM_015841.4); short protein forms P349S, P644S, P653S.
Identifiers: ClinVar variation 3758631 (VCV003758631.2).

ClinVar aggregate classification (germline): Uncertain significance (1 of 4 stars; one submission).

Conditions:
Symmetrical dyschromatosis of extremities (DSH). Also called: DYSCHROMATOSIS SYMMETRICA HEREDITARIA 1; RETICULATE ACROPIGMENTATION OF DOHI; SYMMETRIC DYSCHROMATOSIS OF THE EXTREMITIES; Dyschromatosis symmetrica hereditaria. Identifiers: Orphanet 41, MedGen C0406775, MONDO:0007483, OMIM 127400.
Aicardi-Goutieres syndrome 6 (AGS6). Identifiers: Orphanet 51, MedGen C3539013, MONDO:0014007, OMIM 615010.

gnomAD v4.1: 8 of 1,613,946 alleles (0.0005%); highest among the groups gnomAD compares: Non-Finnish European, 0.00068%; no homozygotes.

Submission:

Labcorp Genetics (formerly Invitae), Labcorp
Classification: Uncertain significance for Aicardi-Goutieres syndrome 6; Symmetrical dyschromatosis of extremities. Last evaluated: 2024-02-25. Review status: criteria provided, single submitter. Criteria: Invitae Variant Classification Sherloc (09022015). Collection method: clinical testing. Allele origin: germline.
Comment: This sequence change replaces proline, which is neutral and non-polar, with serine, which is neutral and polar, at codon 644 of the ADAR protein (p.Pro644Ser). This variant is not present in population databases (gnomAD no frequency). This variant has not been reported in the literature in individuals affected with ADAR-related conditions. Advanced modeling of protein sequence and biophysical properties (such as structural, functional, and spatial information, amino acid conservation, physicochemical variation, residue mobility, and thermodynamic stability) has been performed at Invitae for this missense variant, however the output from this modeling did not meet the statistical confidence thresholds required to predict the impact of this variant on ADAR protein function. In summary, the available evidence is currently insufficient to determine the role of this variant in disease. Therefore, it has been classified as a Variant of Uncertain Significance.